The following is an entry in ClinVar:

NM_000218.3(KCNQ1):c.1393+30256G>C

Genes: KCNQ1 (potassium voltage-gated channel subfamily Q member 1; plus strand), KCNQ1OT1 (KCNQ1 opposite strand/antisense transcript 1; minus strand). Cytogenetic location: 11p15.5.
Variant type: single nucleotide variant.
Coding change: c.1393+30256G>C on transcript NM_000218.3 (MANE Select); 30256 bases into the intron after coding-DNA position 1393, G replaced by C.
Molecular consequence: intron variant.
Genome position (GRCh38, 1-based): chr11:2,619,110, G>C. VCF-style: chr11-2619110-G-C. GRCh37 (hg19) VCF-style: chr11-2640340-G-C.
Other names: c.1123+30256G>C (NM_001406837.1); c.1297+30256G>C (NM_001406836.1); c.853+30256G>C (NM_001406838.1); c.1012+30256G>C (NM_181798.2).
Identifiers: ClinVar variation 1879165 (VCV001879165.29), dbSNP rs116000903, ClinGen allele CA216361349.
Genomic context (GRCh38, chr11:2,619,110, plus strand): 5'-TTATTAGTTCTAACAGGTTGCTTTGTCAGAGTCTTCGGGGTTTTCTATATGTAGGATCAT[G>C]TCATCTTCATATAAAGATAATATTACTTCTTACTTCCTGATTTGAATGTCTTTCATTTCT-3'

ClinVar aggregate classification (germline): Benign (1 of 4 stars; one submission).

Allele frequency attached by ClinVar (database versions not stated): gnomAD exomes 0.00004; gnomAD 0.00036; TOPMed 0.00039; 1000 Genomes Project 0.00080; 1000 Genomes Project 30x 0.00125.
gnomAD v4.1: 70 of 398,466 alleles (0.018%); highest among the groups gnomAD compares: African/African-American, 0.13%; no homozygotes.

Submission:

CeGaT Center for Human Genetics Tuebingen
Classification: Benign. Last evaluated: 2024-05-01. Review status: criteria provided, single submitter. Criteria: CeGaT Center For Human Genetics Tuebingen Variant Classification Criteria Version 2. Collection method: clinical testing. Allele origin: germline. Affected: yes. Observed: 2 variant alleles.
Comment: KCNQ1OT1: BS1, BS2